The following is an entry in ClinVar:

ClinVar aggregate classification (germline): Likely benign (1 of 4 stars; one submission).

Allele frequency attached by ClinVar (database versions not stated): gnomAD exomes 0.00004; ExAC 0.00009.

Submission:

CeGaT Center for Human Genetics Tuebingen
Classification: Likely benign. Last evaluated: 2026-07-01. Review status: criteria provided, single submitter. Criteria: CeGaT Center For Human Genetics Tuebingen Variant Classification Criteria Version 2. Collection method: clinical testing. Allele origin: germline. Affected: yes. Observed: 6 variant alleles.
Comment: FMN2: BP4, BP7

NM_020066.5(FMN2):c.3555T>C (p.Pro1185=)

Gene: FMN2 (formin 2; plus strand). Cytogenetic location: 1q43.
Variant type: single nucleotide variant.
Coding change: c.3555T>C on transcript NM_020066.5 (MANE Select); coding-DNA position 3555, T replaced by C.
Protein change: p.Pro1185=; no amino-acid change (proline 1185 retained).
Molecular consequence: synonymous variant. On other transcripts: intron variant (1).
Genome position (GRCh38, 1-based): chr1:240,208,367, T>C. VCF-style: chr1-240208367-T-C. GRCh37 (hg19) VCF-style: chr1-240371667-T-C.
Other names: c.3567T>C, p.Pro1189= (NM_001305424.2); c.1986+20105T>C (NM_001348094.2).
Identifiers: ClinVar variation 1013558 (VCV001013558.38), dbSNP rs769857934, ClinGen allele CA1477238.
Genomic context (GRCh38, chr1:240,208,367, plus strand): 5'-TCCCCCTCTACCCGGAGCGGGCATACCCCCTCCGCCCCCTCTACCTGGAGTGGGAATACC[T>C]CCTCCGCCCCCTCTACCTGGAGTGGGAATACCTCCTCCGCCCCCTCTACCTGGTGCTGGG-3'
Protein context (NP_064450.3, residues 1175-1195): PPPPLPGVGI[Pro1185=]PPPPLPGVGI